The following is an entry in ClinVar:

ClinVar aggregate classification (germline): Pathogenic (1 of 4 stars; one submission).

Submission:

Labcorp Genetics (formerly Invitae), Labcorp
Classification: Pathogenic. Last evaluated: 2023-05-22. Review status: criteria provided, single submitter. Criteria: Invitae Variant Classification Sherloc (09022015). Collection method: clinical testing. Allele origin: germline.
Comment: For these reasons, this variant has been classified as Pathogenic. This variant has not been reported in the literature in individuals affected with TUBGCP6-related conditions. This variant is not present in population databases (gnomAD no frequency). This sequence change creates a premature translational stop signal (p.Lys464Glnfs*103) in the TUBGCP6 gene. It is expected to result in an absent or disrupted protein product. Loss-of-function variants in TUBGCP6 are known to be pathogenic (PMID: 25344692).

Literature cited by the submitters: PubMed 25344692.

NM_020461.4(TUBGCP6):c.1389dup (p.Lys464fs)

Gene: TUBGCP6 (tubulin gamma complex component 6; minus strand). Cytogenetic location: 22q13.33.
Variant type: Duplication.
Coding change: c.1389dup on transcript NM_020461.4 (MANE Select); coding-DNA position 1389, one base duplicated (C; older notation c.1389dupC).
Protein change: p.Lys464fs; shifts the reading frame from lysine 464.
Molecular consequence: frameshift variant.
Genome position (GRCh38, 1-based): chr22:50,227,930, G duplicated on the plus strand (C on the coding strand, the reverse complement: TUBGCP6 is on the minus strand). VCF-style (leftmost placement, unchanged base first): chr22-50227929-T-TG. GRCh37 (hg19) VCF-style: chr22-50666358-T-TG.
Other names: short protein forms K464fs.
Identifiers: ClinVar variation 2783363 (VCV002783363.3), dbSNP rs2519160173, ClinGen allele CA2739268026.